The following is an entry in ClinVar:

ClinVar aggregate classification (germline): Uncertain significance. Review status: criteria provided, multiple submitters, no conflicts (2 of 4 stars). 2 submissions from 2 submitters: Uncertain significance (2). Last evaluated 2025-08-23.

Conditions:
SEMA3D-related disorder. Also called: SEMA3D-related condition.

gnomAD v4.1: 6 of 1,607,994 alleles (0.00037%); highest among the groups gnomAD compares: East Asian, 0.0022%; no homozygotes.

Submissions (2):

Ambry Genetics
Classification: Uncertain significance. Last evaluated: 2025-08-23. Review status: criteria provided, single submitter. Criteria: Ambry Variant Classification Scheme 2023. Collection method: clinical testing. Allele origin: germline.

PreventionGenetics, part of Exact Sciences
Classification: Uncertain significance for SEMA3D-related condition. Last evaluated: 2025-04-30. Review status: criteria provided, single submitter. Criteria: ACMG Guidelines, 2015. Collection method: clinical testing. Allele origin: germline.
Comment: The SEMA3D c.1199G>A variant is predicted to result in the amino acid substitution p.Ser400Asn. To our knowledge, this variant has not been reported in the literature or in a large population database (gnomAD), indicating this variant is rare. At this time, the clinical significance of this variant is uncertain due to the absence of conclusive functional and genetic evidence.

NM_001384900.1(SEMA3D):c.1199G>A (p.Ser400Asn)

Gene: SEMA3D (semaphorin 3D; minus strand). Cytogenetic location: 7q21.11.
Variant type: single nucleotide variant.
Coding change: c.1199G>A on transcript NM_001384900.1 (MANE Select); coding-DNA position 1199, G replaced by A.
Protein change: p.Ser400Asn; replaces serine 400 with asparagine.
Molecular consequence: missense variant.
Genome position (GRCh38, 1-based): chr7:85,022,606, C>T on the plus strand (G>A on the coding strand, the complement: SEMA3D is on the minus strand). VCF-style: chr7-85022606-C-T. GRCh37 (hg19) VCF-style: chr7-84651922-C-T.
Other names: c.1199G>A, p.Ser400Asn (NM_001384901.1, NM_001384902.1, NM_001384903.1 and 1 more transcripts); short protein forms S400N.
Identifiers: ClinVar variation 4162106 (VCV004162106.2).
Genomic context (GRCh38, chr7:85,022,606, plus strand): 5'-AAACTGATGACATCATCTGGAAAATCTCGGGTGGACTTAATCAGTGGGTCATAGGTTTTG[C>T]TTGGACACTGAAAATAAATGTGGAGGAAAGTAAAGACATTGTTTATGCACCTGAGAAGTT-3'
Protein context (NP_001371829.1, residues 390-410): IPYPRPGTCP[Ser400Asn]KTYDPLIKST